The following is an entry in ClinVar:

NM_001457.4(FLNB):c.4671+11G>A

Gene: FLNB (filamin B; plus strand). Cytogenetic location: 3p14.3.
Variant type: single nucleotide variant.
Coding change: c.4671+11G>A on transcript NM_001457.4 (MANE Select); 11 bases into the intron after coding-DNA position 4671, G replaced by A.
Molecular consequence: intron variant.
Genome position (GRCh38, 1-based): chr3:58,134,783, G>A. VCF-style: chr3-58134783-G-A. GRCh37 (hg19) VCF-style: chr3-58120510-G-A.
Other names: c.4764+11G>A (NM_001164317.2); c.4671+11G>A (NM_001164318.2, NM_001164319.2).
Identifiers: ClinVar variation 678988 (VCV000678988.60), dbSNP rs115346578, ClinGen allele CA2468834.

ClinVar aggregate classification (germline): Benign/Likely benign. Review status: criteria provided, multiple submitters, no conflicts (2 of 4 stars). 6 submissions from 6 submitters: Benign (3); Likely benign (3). Last evaluated 2026-02-04.

Conditions:
FLNB-Related Spectrum Disorders.

Allele frequency attached by ClinVar (database versions not stated): 1000 Genomes Project 0.00339; 1000 Genomes Project 30x 0.00344; gnomAD 0.00454 and 0.00461; TOPMed 0.00481; ExAC 0.00491; ESP Exome Variant Server 0.00623.
gnomAD v4.1: 11,737 of 1,613,294 alleles (0.73%); highest among the groups gnomAD compares: Non-Finnish European, 0.88%; 59 homozygotes.

Submissions (6):

Labcorp Genetics (formerly Invitae), Labcorp
Classification: Benign. Last evaluated: 2026-02-04. Review status: criteria provided, single submitter. Criteria: Invitae Variant Classification Sherloc (09022015). Collection method: clinical testing. Allele origin: germline.

Blueprint Genetics
Classification: Likely benign. Last evaluated: 2024-11-17. Review status: criteria provided, single submitter. Criteria: ACMG Guidelines, 2015. Collection method: clinical testing. Allele origin: germline.

ARUP Laboratories, Molecular Genetics and Genomics, ARUP Laboratories
Classification: Benign. Last evaluated: 2024-11-15. Review status: criteria provided, single submitter. Criteria: ARUP Molecular Germline Variant Investigation Process 2024. Collection method: clinical testing. Allele origin: germline.

GeneDx
Classification: Benign. Last evaluated: 2018-04-02. Review status: criteria provided, single submitter. Criteria: GeneDx Variant Classification (06012015). Collection method: clinical testing. Allele origin: germline. Affected: yes.
Comment: This variant is considered likely benign or benign based on one or more of the following criteria: it is a conservative change, it occurs at a poorly conserved position in the protein, it is predicted to be benign by multiple in silico algorithms, and/or has population frequency not consistent with disease.

Illumina Laboratory Services, Illumina
Classification: Likely benign for FLNB-Related Spectrum Disorders. Last evaluated: 2018-01-13. Review status: criteria provided, single submitter. Criteria: ICSL Variant Classification Criteria 13 December 2019. Collection method: clinical testing. Allele origin: germline.
Comment: This variant was observed in the ICSL laboratory as part of a predisposition screen in an ostensibly healthy population. It had not been previously curated by ICSL or reported in the Human Gene Mutation Database (HGMD: prior to June 1st, 2018), and was therefore a candidate for classification through an automated scoring system. Utilizing variant allele frequency, disease prevalence and penetrance estimates, and inheritance mode, an automated score was calculated to assess if this variant is too frequent to cause the disease. Based on the score and internal cut-off values, a variant classified as likely benign is not then subjected to further curation. The score for this variant resulted in a classification of likely benign for this disease.

Breakthrough Genomics
Classification: Likely benign. Review status: criteria provided, single submitter. Criteria: ACMG Guidelines, 2015. Collection method: not provided. Allele origin: germline. Inheritance: Autosomal recessive inheritance. Affected: yes.